The following is an entry in ClinVar:

NM_032043.3(BRIP1):c.2258-2A>G

Gene: BRIP1 (BRCA1 interacting DNA helicase 1; minus strand). Cytogenetic location: 17q23.2.
Variant type: single nucleotide variant.
Coding change: c.2258-2A>G on transcript NM_032043.3 (MANE Select); the canonical splice acceptor site of the intron before coding-DNA position 2258, A replaced by G.
Molecular consequence: splice acceptor variant.
Genome position (GRCh38, 1-based): chr17:61,743,136, T>C on the plus strand (A>G on the coding strand, the complement: BRIP1 is on the minus strand). VCF-style: chr17-61743136-T-C. GRCh37 (hg19) VCF-style: chr17-59820497-T-C.
Identifiers: ClinVar variation 3075860 (VCV003075860.1), dbSNP rs2144680456, ClinGen allele CA400482772.
Genomic context (GRCh38, chr17:61,743,136, plus strand): 5'-TGAGAAATCCAGACCCTCACTCACTTTACCACGACAAACTGCTACCAGGAGAGCTCCATC[T>C]TAAACAACAGAAAAAAGCATATCCAAAATTCTCAGAAATTGCTTATTCTTGTCATTTTGA-3'

ClinVar aggregate classification (germline): Likely pathogenic (1 of 4 stars; one submission).

Conditions:
Fanconi anemia (FA). Also called: Fanconi's anemia. Identifiers: Orphanet 84, MedGen C0015625, MeSH D005199, MONDO:0019391.

Submission:

Laboratory for Molecular Medicine, Mass General Brigham Personalized Medicine
Classification: Likely pathogenic for Fanconi anemia. Last evaluated: 2022-06-30. Review status: criteria provided, single submitter. Criteria: ACMG Guidelines, 2015. Collection method: clinical testing. Allele origin: germline.
Comment: The c.2258-2A>G variant in BRIP1 has not been previously reported in individuals with Fanconi anemia and was absent from large population studies. This variant occurs within the canonical splice site (+/- 1,2) and is predicted to cause altered splicing leading to an abnormal or absent protein. Loss of function of the BRIP1 gene is an established disease mechanism in autosomal recessive Fanconi anemia complementation group J. In summary, although additional studies are required to fully establish its clinical significance, this variant meets criteria to be classified as likely pathogenic for autosomal recessive Fanconi anemia complementation group J. . ACMG/AMP criteria applied: PVS1, PM2_Supporting.